The following is an entry in ClinVar:

ClinVar aggregate classification (germline): Uncertain significance (1 of 4 stars; one submission).

Conditions:
EGFR-related lung cancer (EGFR). Identifiers: MedGen CN130014.

gnomAD v4.1: 3 of 1,613,938 alleles (0.00019%); highest among the groups gnomAD compares: Non-Finnish European, 0.00025%; no homozygotes.

Submission:

Labcorp Genetics (formerly Invitae), Labcorp
Classification: Uncertain significance for EGFR-related lung cancer. Last evaluated: 2025-06-24. Review status: criteria provided, single submitter. Criteria: Invitae Variant Classification Sherloc (09022015). Collection method: clinical testing. Allele origin: germline.
Comment: This sequence change falls in intron 4 of the EGFR gene. It does not directly change the encoded amino acid sequence of the EGFR protein. This variant is not present in population databases (gnomAD no frequency). This variant has not been reported in the literature in individuals affected with EGFR-related conditions. ClinVar contains an entry for this variant (Variation ID: 2861371). Algorithms developed to predict the effect of sequence changes on RNA splicing suggest that this variant may disrupt the consensus splice site. In summary, the available evidence is currently insufficient to determine the role of this variant in disease. Therefore, it has been classified as a Variant of Uncertain Significance.

NM_005228.5(EGFR):c.560-17T>G

Gene: EGFR (epidermal growth factor receptor; plus strand). Cytogenetic location: 7p11.2.
Variant type: single nucleotide variant.
Coding change: c.560-17T>G on transcript NM_005228.5 (MANE Select); 17 bases into the intron before coding-DNA position 560, T replaced by G.
Molecular consequence: intron variant.
Genome position (GRCh38, 1-based): chr7:55,151,277, T>G. VCF-style: chr7-55151277-T-G. GRCh37 (hg19) VCF-style: chr7-55218970-T-G.
Other names: c.425-17T>G (NM_001346899.2, NM_001346897.2); c.89-4553T>G (NM_001346941.2); c.560-17T>G (NM_001346898.2, NM_201284.2, NM_201282.2 and 1 more transcripts); c.401-17T>G (NM_001346900.2).
Identifiers: ClinVar variation 2861371 (VCV002861371.3), dbSNP rs2128932402, ClinGen allele CA2682851566.